The following is an entry in ClinVar:

ClinVar aggregate classification (germline): Uncertain significance (1 of 4 stars; one submission).

Conditions:
Cardiovascular phenotype. Identifiers: MedGen CN230736.

Allele frequency attached by ClinVar (database versions not stated): TOPMed below 0.00001.

Submission:

Ambry Genetics
Classification: Uncertain significance for Cardiovascular phenotype. Last evaluated: 2016-09-07. Review status: criteria provided, single submitter. Criteria: Ambry Variant Classification Scheme 2023. Collection method: clinical testing. Allele origin: germline.
Comment: The p.M8115I variant (also known as c.24345G>A), located in coding exon 99 of the TTN gene, results from a G to A substitution at nucleotide position 24345. The methionine at codon 8115 is replaced by isoleucine, an amino acid with highly similar properties, and is located in the A-band region of the N2-B isoform of the titin protein. This variant was not reported in population based cohorts in the following databases: Database of Single Nucleotide Polymorphisms (dbSNP), NHLBI Exome Sequencing Project (ESP), and 1000 Genomes Project. In the ESP, this variant was not observed in 6048 samples (12096 alleles) with coverage at this position. This amino acid position is highly conserved in available vertebrate species. In addition, this alteration is predicted to be tolerated by in silico analysis. Since supporting evidence is limited at this time, the clinical significance of this variant remains unclear.

NM_001267550.2(TTN):c.51540G>A (p.Met17180Ile)

Genes: TTN-AS1 (TTN antisense RNA 1; plus strand), TTN (titin; minus strand). Cytogenetic location: 2q31.2.
Variant type: single nucleotide variant.
Coding change: c.51540G>A on transcript NM_001267550.2 (MANE Select); coding-DNA position 51540, G replaced by A.
Protein change: p.Met17180Ile; replaces methionine 17180 with isoleucine.
Molecular consequence: missense variant.
Genome position (GRCh38, 1-based): chr2:178,609,883, C>T on the plus strand (G>A on the coding strand, the complement: TTN is on the minus strand). VCF-style: chr2-178609883-C-T. GRCh37 (hg19) VCF-style: chr2-179474610-C-T.
Other names: c.46617G>A, p.Met15539Ile (NM_001256850.1); c.24345G>A, p.Met8115Ile (NM_003319.4); c.43836G>A, p.Met14612Ile (NM_133378.4); c.24720G>A, p.Met8240Ile (NM_133432.3); c.24921G>A, p.Met8307Ile (NM_133437.4); short protein forms M17180I, M8115I, M8307I, M15539I, M14612I, M8240I.
Identifiers: ClinVar variation 518941 (VCV000518941.5), dbSNP rs879015830, ClinGen allele CA60983842.